The following is an entry in ClinVar:

ClinVar aggregate classification (germline): Uncertain significance (1 of 4 stars; one submission).

Conditions:
Left ventricular noncompaction 8 (LVNC8). Identifiers: Orphanet 154, Orphanet 54260, MedGen C3809288, MONDO:0014152, OMIM 615373.

Allele frequency attached by ClinVar (database versions not stated): gnomAD exomes below 0.00001.
gnomAD v4.1: 5 of 1,614,156 alleles (0.00031%); highest among the groups gnomAD compares: Non-Finnish European, 0.00042%; no homozygotes.

Submission:

Labcorp Genetics (formerly Invitae), Labcorp
Classification: Uncertain significance for Left ventricular noncompaction 8. Last evaluated: 2022-08-25. Review status: criteria provided, single submitter. Criteria: Invitae Variant Classification Sherloc (09022015). Collection method: clinical testing. Allele origin: germline.
Comment: This sequence change replaces glycine, which is neutral and non-polar, with aspartic acid, which is acidic and polar, at codon 1109 of the PRDM16 protein (p.Gly1109Asp). This variant is present in population databases (no rsID available, gnomAD 0.0009%). This variant has not been reported in the literature in individuals affected with PRDM16-related conditions. Algorithms developed to predict the effect of missense changes on protein structure and function are either unavailable or do not agree on the potential impact of this missense change (SIFT: "Deleterious"; PolyPhen-2: "Possibly Damaging"; Align-GVGD: "Class C15"). In summary, the available evidence is currently insufficient to determine the role of this variant in disease. Therefore, it has been classified as a Variant of Uncertain Significance.

NM_022114.4(PRDM16):c.3326G>A (p.Gly1109Asp)

Gene: PRDM16 (PR/SET domain 16; plus strand). Cytogenetic location: 1p36.32.
Variant type: single nucleotide variant.
Coding change: c.3326G>A on transcript NM_022114.4 (MANE Select); coding-DNA position 3326, G replaced by A.
Protein change: p.Gly1109Asp; replaces glycine 1109 with aspartic acid.
Molecular consequence: missense variant.
Genome position (GRCh38, 1-based): chr1:3,430,913, G>A. VCF-style: chr1-3430913-G-A. GRCh37 (hg19) VCF-style: chr1-3347477-G-A.
Other names: c.3326G>A, p.Gly1109Asp (NM_199454.3); short protein forms G1109D.
Identifiers: ClinVar variation 1718018 (VCV001718018.5), dbSNP rs1490794781, ClinGen allele CA338003762.